The following is an entry in ClinVar:

ClinVar aggregate classification (germline): Conflicting classifications of pathogenicity. Review status: criteria provided, conflicting classifications (1 of 4 stars). 15 submissions from 15 submitters: Uncertain significance (1); Benign (3); Likely benign (10). 1 of the submissions does not count toward it. Last evaluated 2026-01-28.

Conditions:
Wilson disease (WND). Also called: Wilson's disease. Identifiers: Orphanet 905, MedGen C0019202, MONDO:0010200, OMIM 277900. Disease mechanism: loss of function.
Inborn genetic diseases. Identifiers: MedGen C0950123, MeSH D030342.

Allele frequency attached by ClinVar (database versions not stated): gnomAD exomes 0.00004 and 0.00013; gnomAD 0.00005; TOPMed 0.00010; ExAC 0.00016.
gnomAD v4.1: 71 of 1,614,206 alleles (0.0044%); highest among the groups gnomAD compares: East Asian, 0.15%; no homozygotes.

Submissions (15):

Labcorp Genetics (formerly Invitae), Labcorp
Classification: Likely benign for Wilson disease. Last evaluated: 2026-01-28. Review status: criteria provided, single submitter. Criteria: Invitae Variant Classification Sherloc (09022015). Collection method: clinical testing. Allele origin: germline.

ARUP Laboratories, Molecular Genetics and Genomics, ARUP Laboratories
Classification: Benign for Wilson disease. Last evaluated: 2025-03-24. Review status: criteria provided, single submitter. Criteria: ARUP Molecular Germline Variant Investigation Process 2024. Collection method: clinical testing. Allele origin: germline.

Mayo Clinic Laboratories, Mayo Clinic
Classification: Likely benign. Last evaluated: 2025-03-19. Review status: criteria provided, single submitter. Criteria: ACMG Guidelines, 2015. Collection method: clinical testing. Allele origin: germline. Observed: 10 variant alleles.

Blueprint Genetics
Classification: Likely benign. Last evaluated: 2024-10-15. Review status: criteria provided, single submitter. Criteria: ACMG Guidelines, 2015. Collection method: clinical testing. Allele origin: germline.

All of Us Research Program, National Institutes of Health
Classification: Likely benign for Wilson disease. Last evaluated: 2024-09-27. Review status: criteria provided, single submitter. Criteria: ACMG Guidelines, 2015. Collection method: clinical testing. Allele origin: germline. Inheritance: Autosomal recessive inheritance. Observed: 11 variant alleles, 11 heterozygotes.
Comment: This study involves interpretation of variants in research participants for the purpose of population health screening. Participant phenotype was not available at the time of variant classification. Additional details can be found in publication PMID: 35346344, PMCID: PMC8962531

Chongqing Key Laboratory of Child Rare Diseases in Infection and Immunity, Children’s Hospital of Chongqing Medical University
Classification: Likely benign for Wilson disease. Last evaluated: 2024-01-01. Review status: criteria provided, single submitter. Criteria: ACMG Guidelines, 2015. Collection method: clinical testing. Allele origin: germline. Inheritance: Autosomal recessive inheritance. Affected: yes.
Comment: Classified as Likely benign according to the ACMG/AMP 2015 guidelines (PMID:25741868). The classification was based on the available submitted evidence for Wilson disease (OMIM:277900), including clinical-testing observations, variant consequence/protein annotation, and published or ClinVar evidence where available. Supporting information considered: variant annotation: p.Leu770=; Synonymous; Protein domain: TM-associated / cytosolic loop; submitted notation: NM_000053.4:c.2310C>G (p.Leu770=); source variant type: Synonymous; source domain: TM-associated / cytosolic loop; allele count n=230: 22.

Ambry Genetics
Classification: Likely benign for Inborn genetic diseases. Last evaluated: 2022-12-16. Review status: criteria provided, single submitter. Criteria: Ambry Variant Classification Scheme 2023. Collection method: clinical testing. Allele origin: germline.

Color Diagnostics, LLC DBA Color Health
Classification: Likely benign for Wilson disease. Last evaluated: 2022-07-08. Review status: criteria provided, single submitter. Criteria: ACMG Guidelines, 2015. Collection method: clinical testing. Allele origin: germline.

Genome-Nilou Lab
Classification: Likely benign for Wilson disease. Last evaluated: 2021-08-10. Review status: criteria provided, single submitter. Criteria: ACMG Guidelines, 2015. Collection method: clinical testing. Allele origin: germline. Affected: no.

GeneDx
Classification: Likely benign. Last evaluated: 2019-02-01. Review status: criteria provided, single submitter. Criteria: GeneDx Variant Classification Process June 2021. Collection method: clinical testing. Allele origin: germline. Affected: yes.
Comment: This variant is associated with the following publications: (PMID: 23235335, 11405812, 24878384, 18034201, 22308153, 27398169, 27022412, 27706781, 26650869, 26112727, 33763395)

Illumina Laboratory Services, Illumina
Classification: Uncertain significance for Wilson disease. Last evaluated: 2017-04-28. Review status: criteria provided, single submitter. Criteria: ICSL Variant Classification Criteria 13 December 2019. Collection method: clinical testing. Allele origin: germline.
Comment: This variant was observed as part of a predisposition screen in an ostensibly healthy population. A literature search was performed for the gene, cDNA change, and amino acid change (where applicable). Publications were found based on this search. However, the evidence from the literature, in combination with allele frequency data from public databases where available, was not sufficient to rule this variant in or out of causing disease. Therefore, this variant is classified as a variant of unknown significance.

Genetic Services Laboratory, University of Chicago
Classification: Benign. Last evaluated: 2013-02-08. Review status: criteria provided, single submitter. Criteria: ACMG Guidelines, 2007. Collection method: clinical testing. Allele origin: germline. Inheritance: Autosomal recessive inheritance.

Eurofins Ntd Llc (ga)
Classification: Benign. Last evaluated: 2012-12-17. Review status: criteria provided, single submitter. Criteria: EGL Classification Definitions 2015. Collection method: clinical testing. Allele origin: germline. Observed: 1 variant allele, 1 heterozygote.

PreventionGenetics, part of Exact Sciences
Classification: Likely benign. Review status: criteria provided, single submitter. Criteria: ACMG Guidelines, 2015. Collection method: clinical testing. Allele origin: germline.

Natera, Inc.
Classification: Likely benign for Wilson disease. Last evaluated: 2020-09-16. Review status: no assertion criteria provided. Collection method: clinical testing. Allele origin: germline. Not counted in ClinVar's aggregate classification.

Literature cited by the submitters: PubMed 14966923 (cited by Mayo Clinic Laboratories, Mayo Clinic and Illumina Laboratory Services, Illumina); PubMed 18034201 (cited by Mayo Clinic Laboratories, Mayo Clinic and Illumina Laboratory Services, Illumina); PubMed 22308153 (cited by Mayo Clinic Laboratories, Mayo Clinic and Illumina Laboratory Services, Illumina); PubMed 23235335 (cited by Mayo Clinic Laboratories, Mayo Clinic and Illumina Laboratory Services, Illumina); PubMed 24878384 (cited by Mayo Clinic Laboratories, Mayo Clinic and Illumina Laboratory Services, Illumina); PubMed 27398169 (cited by Mayo Clinic Laboratories, Mayo Clinic and Illumina Laboratory Services, Illumina); PubMed 37681011 (cited by Mayo Clinic Laboratories, Mayo Clinic); PubMed 11405812 (cited by Illumina Laboratory Services, Illumina).

NM_000053.4(ATP7B):c.2310C>G (p.Leu770=)

Gene: ATP7B (ATPase copper transporting beta; minus strand). Cytogenetic location: 13q14.3.
Variant type: single nucleotide variant.
Coding change: c.2310C>G on transcript NM_000053.4 (MANE Select); coding-DNA position 2310, C replaced by G.
Protein change: p.Leu770=; no amino-acid change (leucine 770 retained).
Molecular consequence: synonymous variant. On other transcripts: intron variant (2).
Genome position (GRCh38, 1-based): chr13:51,958,356, G>C on the plus strand (C>G on the coding strand, the complement: ATP7B is on the minus strand). VCF-style: chr13-51958356-G-C. GRCh37 (hg19) VCF-style: chr13-52532492-G-C.
Other names: p.Leu770=; c.1977C>G, p.Leu659= (NM_001243182.2); c.2058C>G, p.Leu686= (NM_001330579.2); c.1870-749C>G (NM_001005918.3); c.2122-749C>G (NM_001330578.2).
Identifiers: ClinVar variation 92387 (VCV000092387.47), dbSNP rs398123136, ClinGen allele CA145672.